The following is an entry in ClinVar:

NM_015072.5(TTLL5):c.1588A>G (p.Ser530Gly)

Gene: TTLL5 (tubulin tyrosine ligase like 5; plus strand). Cytogenetic location: 14q24.3.
Variant type: single nucleotide variant.
Coding change: c.1588A>G on transcript NM_015072.5 (MANE Select); coding-DNA position 1588, A replaced by G.
Protein change: p.Ser530Gly; replaces serine 530 with glycine.
Molecular consequence: missense variant.
Genome position (GRCh38, 1-based): chr14:75,764,652, A>G. VCF-style: chr14-75764652-A-G. GRCh37 (hg19) VCF-style: chr14-76230995-A-G.
Other names: c.1588A>G (NM_015072.4); short protein forms S530G.
Identifiers: ClinVar variation 1040972 (VCV001040972.9), dbSNP rs1399561968, ClinGen allele CA390466303.

ClinVar aggregate classification (germline): Uncertain significance. Review status: criteria provided, multiple submitters, no conflicts (2 of 4 stars). 2 submissions from 2 submitters: Uncertain significance (2). Last evaluated 2025-06-07.

Conditions:
Inborn genetic diseases. Identifiers: MedGen C0950123, MeSH D030342.

Allele frequency attached by ClinVar (database versions not stated): gnomAD 0.00001; gnomAD exomes 0.00001; TOPMed 0.00001.
gnomAD v4.1: 6 of 1,614,004 alleles (0.00037%); highest among the groups gnomAD compares: Non-Finnish European, 0.00051%; no homozygotes.

Submissions (2):

Ambry Genetics
Classification: Uncertain significance for Inborn genetic diseases. Last evaluated: 2025-06-07. Review status: criteria provided, single submitter. Criteria: Ambry Variant Classification Scheme 2023. Collection method: clinical testing. Allele origin: germline.

Labcorp Genetics (formerly Invitae), Labcorp
Classification: Uncertain significance. Last evaluated: 2022-08-12. Review status: criteria provided, single submitter. Criteria: Invitae Variant Classification Sherloc (09022015). Collection method: clinical testing. Allele origin: germline.
Comment: In summary, the available evidence is currently insufficient to determine the role of this variant in disease. Therefore, it has been classified as a Variant of Uncertain Significance. Algorithms developed to predict the effect of missense changes on protein structure and function output the following: SIFT: "Tolerated"; PolyPhen-2: "Benign"; Align-GVGD: "Class C0". The glycine amino acid residue is found in multiple mammalian species, which suggests that this missense change does not adversely affect protein function. ClinVar contains an entry for this variant (Variation ID: 1040972). This variant has not been reported in the literature in individuals affected with TTLL5-related conditions. This variant is not present in population databases (gnomAD no frequency). This sequence change replaces serine, which is neutral and polar, with glycine, which is neutral and non-polar, at codon 530 of the TTLL5 protein (p.Ser530Gly).